The following is an entry in ClinVar:

ClinVar aggregate classification (germline): Uncertain significance. Review status: criteria provided, multiple submitters, no conflicts (2 of 4 stars). 5 submissions from 5 submitters: Uncertain significance (5). Last evaluated 2026-07-01.

Conditions:
Hereditary cancer-predisposing syndrome. Also called: Hereditary neoplastic syndrome; Tumor predisposition; Neoplastic Syndromes, Hereditary; Hereditary Cancer Syndrome. Identifiers: Orphanet 140162, MedGen C0027672, MeSH D009386, MONDO:0015356.
Hereditary breast ovarian cancer syndrome. Also called: Breast and ovarian cancer; Hereditary breast and/or ovarian cancer syndrome; BRCA1- and BRCA2-Associated Hereditary Breast and Ovarian Cancer; Hereditary breast and ovarian cancer; Hereditary breast and ovarian cancer syndrome; Hereditary breast and ovarian cancer syndrome (HBOC). Identifiers: Orphanet 145, MedGen C0677776, MeSH D061325, MONDO:0003582. Disease mechanism: loss of function.
Familial cancer of breast. Also called: hereditary breast carcinoma; Hereditary breast cancer; BREAST CANCER, FAMILIAL. Identifiers: Orphanet 227535, MedGen C0346153, MONDO:0016419, OMIM 114480. Disease mechanism: loss of function.

Submissions (5):

CeGaT Center for Human Genetics Tuebingen
Classification: Uncertain significance. Last evaluated: 2026-07-01. Review status: criteria provided, single submitter. Criteria: CeGaT Center For Human Genetics Tuebingen Variant Classification Criteria Version 2. Collection method: clinical testing. Allele origin: germline. Affected: yes. Observed: 1 variant allele.
Comment: BRCA2: PM2, BP4

Ambry Genetics
Classification: Uncertain significance for Hereditary cancer-predisposing syndrome. Last evaluated: 2025-02-07. Review status: criteria provided, single submitter. Criteria: Ambry Variant Classification Scheme 2023. Collection method: clinical testing. Allele origin: germline.
Comment: The p.S2533A variant (also known as c.7597T>G), located in coding exon 14 of the BRCA2 gene, results from a T to G substitution at nucleotide position 7597. The serine at codon 2533 is replaced by alanine, an amino acid with similar properties. This amino acid position is not well conserved in available vertebrate species. In addition, this alteration is predicted to be tolerated by in silico analysis. Based on the available evidence, the clinical significance of this variant remains unclear.

Women's Health and Genetics/Laboratory Corporation of America, LabCorp
Classification: Uncertain significance. Last evaluated: 2024-07-30. Review status: criteria provided, single submitter. Criteria: LabCorp Variant Classification Summary - May 2015. Collection method: clinical testing. Allele origin: germline.
Comment: Variant summary: BRCA2 c.7597T>G (p.Ser2533Ala) results in a conservative amino acid change located in the Breast cancer type 2 susceptibility protein, helical domain (IPR015252) of the encoded protein sequence. Five of five in-silico tools predict a benign effect of the variant on protein function. The variant was absent in 250848 control chromosomes. The available data on variant occurrences in the general population are insufficient to allow any conclusion about variant significance. To our knowledge, no occurrence of c.7597T>G in individuals affected with Hereditary Breast And Ovarian Cancer Syndrome and no experimental evidence demonstrating its impact on protein function have been reported. ClinVar contains an entry for this variant (Variation ID: 188212). Based on the evidence outlined above, the variant was classified as uncertain significance.

Labcorp Genetics (formerly Invitae), Labcorp
Classification: Uncertain significance for Hereditary breast ovarian cancer syndrome. Last evaluated: 2024-05-21. Review status: criteria provided, single submitter. Criteria: Invitae Variant Classification Sherloc (09022015). Collection method: clinical testing. Allele origin: germline.
Comment: This sequence change replaces serine, which is neutral and polar, with alanine, which is neutral and non-polar, at codon 2533 of the BRCA2 protein (p.Ser2533Ala). This variant is not present in population databases (gnomAD no frequency). This variant has not been reported in the literature in individuals affected with BRCA2-related conditions. ClinVar contains an entry for this variant (Variation ID: 188212). Advanced modeling of protein sequence and biophysical properties (such as structural, functional, and spatial information, amino acid conservation, physicochemical variation, residue mobility, and thermodynamic stability) performed at Invitae indicates that this missense variant is not expected to disrupt BRCA2 protein function with a negative predictive value of 95%. In summary, the available evidence is currently insufficient to determine the role of this variant in disease. Therefore, it has been classified as a Variant of Uncertain Significance.

Baylor Genetics
Classification: Uncertain significance for Familial cancer of breast. Last evaluated: 2023-09-10. Review status: criteria provided, single submitter. Criteria: ACMG Guidelines, 2015. Collection method: clinical testing. Allele origin: unknown.

NM_000059.4(BRCA2):c.7597T>G (p.Ser2533Ala)

Gene: BRCA2 (BRCA2 DNA repair associated; plus strand). Cytogenetic location: 13q13.1.
Variant type: single nucleotide variant.
Coding change: c.7597T>G on transcript NM_000059.4 (MANE Select); coding-DNA position 7597, T replaced by G.
Protein change: p.Ser2533Ala; replaces serine 2533 with alanine.
Molecular consequence: missense variant.
Genome position (GRCh38, 1-based): chr13:32,356,589, T>G. VCF-style: chr13-32356589-T-G. GRCh37 (hg19) VCF-style: chr13-32930726-T-G.
Other names: short protein forms S2533A.
Identifiers: ClinVar variation 188212 (VCV000188212.17), dbSNP rs786204150, ClinGen allele CA025172.